The following is an entry in ClinVar:

NM_033380.3(COL4A5):c.3604G>T (p.Gly1202Cys)

Gene: COL4A5 (collagen type IV alpha 5 chain; plus strand). Cytogenetic location: Xq22.3.
Variant type: single nucleotide variant.
Coding change: c.3604G>T on transcript NM_033380.3 (MANE Select); coding-DNA position 3604, G replaced by T.
Protein change: p.Gly1202Cys; replaces glycine 1202 with cysteine.
Molecular consequence: missense variant.
Genome position (GRCh38, 1-based): chrX:108,667,183, G>T. VCF-style: chrX-108667183-G-T. GRCh37 (hg19) VCF-style: chrX-107910413-G-T.
Other names: NC_000023.10:g.107910413G>T; c.3604G>T, p.Gly1202Cys (NM_000495.5); short protein forms G1202C.
Identifiers: ClinVar variation 384756 (VCV000384756.5), dbSNP rs1057522042, ClinGen allele CA16608671.

ClinVar aggregate classification (germline): Pathogenic/Likely pathogenic. Review status: criteria provided, multiple submitters, no conflicts (2 of 4 stars). 2 submissions from 2 submitters: Pathogenic (1); Likely pathogenic (1). Last evaluated 2025-08-01.

Conditions:
Hematuria. Identifiers: MedGen C0018965, HP:0000790.

Submissions (4):

Genetics Laboratory, Great Ormond Street Hospital NHS Foundation Trust, North Thames Genomic Laboratory Hub
Classification: Likely pathogenic for Haematuria. Last evaluated: 2025-08-01. Review status: criteria provided, single submitter. Criteria: ACGS Best Practice Guidelines for Variant Classification in Rare Disease 2024 v1.2. Collection method: clinical testing. Allele origin: germline. Affected: yes.
Comment: PM2_moderate, PP3_supporting, PM1_strong

GeneDx
Classification: Pathogenic. Last evaluated: 2025-01-16. Review status: criteria provided, single submitter. Criteria: GeneDx Variant Classification Process June 2021. Collection method: clinical testing. Allele origin: germline. Affected: yes.
Comment: In silico analysis supports that this missense variant has a deleterious effect on protein structure/function; Not observed at significant frequency in large population cohorts (gnomAD); Affects a glycine residue in a Gly-X-Y motif in the triple helical region of the COL4A5 gene, where the majority of pathogenic missense variants occur, and is predicted to disrupt normal protein folding and function (PMID: 10752524); Has not been previously published as pathogenic or benign to our knowledge; This variant is associated with the following publications: (PMID: 10752524)

Dr. Peter K. Rogan Lab, Western University
No classification provided (evidence only). Condition: Thyroid cancer, nonmedullary, 1. Review status: no classification provided. Collection method: in vitro. Allele origin: not applicable. Functional consequence: retained intron. Not counted in ClinVar's aggregate classification.

Dr. Peter K. Rogan Lab, Western University
No classification provided (evidence only). Condition: Thyroid cancer, nonmedullary, 1. Review status: no classification provided. Collection method: in vitro. Allele origin: not applicable. Functional consequence: retained intron. Not counted in ClinVar's aggregate classification.